The following is an entry in ClinVar:

NM_004973.4(JARID2):c.827C>G (p.Thr276Arg)

Gene: JARID2 (jumonji and AT-rich interaction domain containing 2; plus strand). Cytogenetic location: 6p22.3.
Variant type: single nucleotide variant.
Coding change: c.827C>G on transcript NM_004973.4 (MANE Select); coding-DNA position 827, C replaced by G.
Protein change: p.Thr276Arg; replaces threonine 276 with arginine.
Molecular consequence: missense variant.
Genome position (GRCh38, 1-based): chr6:15,487,463, C>G. VCF-style: chr6-15487463-C-G. GRCh37 (hg19) VCF-style: chr6-15487694-C-G.
Other names: c.311C>G, p.Thr104Arg (NM_001267040.1); short protein forms T104R, T276R.
Identifiers: ClinVar variation 3765717 (VCV003765717.1).

ClinVar aggregate classification (germline): Uncertain significance (1 of 4 stars; one submission).

Submission:

Greenwood Genetic Center Diagnostic Laboratories, Greenwood Genetic Center
Classification: Uncertain significance. Last evaluated: 2024-10-21. Review status: criteria provided, single submitter. Criteria: ACMG Guidelines, 2015. Collection method: clinical testing. Allele origin: germline. Affected: yes.
Comment: PM2, BP4, PP2